The following is an entry in ClinVar:

NM_000214.3(JAG1):c.2557G>T (p.Ala853Ser)

Gene: JAG1 (jagged canonical Notch ligand 1; minus strand). Cytogenetic location: 20p12.2.
Variant type: single nucleotide variant.
Coding change: c.2557G>T on transcript NM_000214.3 (MANE Select); coding-DNA position 2557, G replaced by T.
Protein change: p.Ala853Ser; replaces alanine 853 with serine.
Molecular consequence: missense variant.
Genome position (GRCh38, 1-based): chr20:10,642,503, C>A on the plus strand (G>T on the coding strand, the complement: JAG1 is on the minus strand). VCF-style: chr20-10642503-C-A. GRCh37 (hg19) VCF-style: chr20-10623151-C-A.
Other names: c.2557G>T (NM_000214.2); short protein forms A853S.
Identifiers: ClinVar variation 1009473 (VCV001009473.9), dbSNP rs967515336, ClinGen allele CA408245492.
Genomic context (GRCh38, chr20:10,642,503, plus strand): 5'-CTCACCCCAGAAGACCCATGGGCAGCTGAAGCCTGGCACACATACCTTCCTGGCACTTGG[C>A]ACCACTGTGCCCTGGAGGGCAGACACACCGGTAGCCATTGATCTCATCCACACAGGTCGC-3'
Protein context (NP_000205.1, residues 843-863): RCVCPPGHSG[Ala853Ser]KCQEVSGRPC

ClinVar aggregate classification (germline): Uncertain significance. Review status: criteria provided, multiple submitters, no conflicts (2 of 4 stars). 2 submissions from 2 submitters: Uncertain significance (2). Last evaluated 2026-04-17.

Conditions:
Alagille syndrome due to a JAG1 point mutation. Also called: HEPATIC DUCTULAR HYPOPLASIA, SYNDROMATIC; JAG1-Related Alagille Syndrome; Alagille Syndrome 1. Identifiers: Orphanet 261619, Orphanet 52, MedGen C1956125, MONDO:0016862, OMIM 118450.
JAG1-related disorder. Also called: JAG1-related disorders; JAG1-related condition.

gnomAD v4.1: 1 of 1,609,976 alleles (0.000062%); no homozygotes.

Submissions (2):

PreventionGenetics, part of Exact Sciences
Classification: Uncertain significance for JAG1-related condition. Last evaluated: 2026-04-17. Review status: criteria provided, single submitter. Criteria: ACMG Guidelines, 2015. Collection method: clinical testing. Allele origin: germline.
Comment: The JAG1 c.2557G>T variant is predicted to result in the amino acid substitution p.Ala853Ser. To our knowledge, this variant has not been reported in the literature or in a large population database, indicating this variant is rare. At this time, the clinical significance of this variant is uncertain due to the absence of conclusive functional and genetic evidence.

Labcorp Genetics (formerly Invitae), Labcorp
Classification: Uncertain significance for Alagille syndrome due to a JAG1 point mutation. Last evaluated: 2025-10-21. Review status: criteria provided, single submitter. Criteria: Invitae Variant Classification Sherloc (09022015). Collection method: clinical testing. Allele origin: germline.
Comment: This sequence change replaces alanine, which is neutral and non-polar, with serine, which is neutral and polar, at codon 853 of the JAG1 protein (p.Ala853Ser). This variant is not present in population databases (gnomAD no frequency). This variant has not been reported in the literature in individuals affected with JAG1-related conditions. ClinVar contains an entry for this variant (Variation ID: 1009473). Invitae Evidence Modeling of protein sequence and biophysical properties (such as structural, functional, and spatial information, amino acid conservation, physicochemical variation, residue mobility, and thermodynamic stability) indicates that this missense variant is not expected to disrupt JAG1 protein function with a negative predictive value of 95%. In summary, the available evidence is currently insufficient to determine the role of this variant in disease. Therefore, it has been classified as a Variant of Uncertain Significance.